The following is an entry in ClinVar:

NM_016734.3(PAX5):c.167G>A (p.Arg56Lys)

Gene: PAX5 (paired box 5; minus strand). Cytogenetic location: 9p13.2.
Variant type: single nucleotide variant.
Coding change: c.167G>A on transcript NM_016734.3 (MANE Select); coding-DNA position 167, G replaced by A.
Protein change: p.Arg56Lys; replaces arginine 56 with lysine.
Molecular consequence: missense variant. On other transcripts: non-coding transcript variant (2), intron variant (2).
Genome position (GRCh38, 1-based): chr9:37,020,681, C>T on the plus strand (G>A on the coding strand, the complement: PAX5 is on the minus strand). VCF-style: chr9-37020681-C-T. GRCh37 (hg19) VCF-style: chr9-37020678-C-T.
Other names: c.167G>A, p.Arg56Lys (NM_001280547.2, NM_001280548.2, NM_001280549.2 and 5 more transcripts); c.-112-5487G>A (NM_001280551.2, NM_001280556.2); short protein forms R56K.
Identifiers: ClinVar variation 3885981 (VCV003885981.1).

ClinVar aggregate classification (germline): Uncertain significance (1 of 4 stars; one submission).

Conditions:
Inborn genetic diseases. Identifiers: MedGen C0950123, MeSH D030342.

Submission:

Ambry Genetics
Classification: Uncertain significance for Inborn genetic diseases. Last evaluated: 2025-03-12. Review status: criteria provided, single submitter. Criteria: Ambry Variant Classification Scheme 2023. Collection method: clinical testing. Allele origin: germline.
Comment: The p.R56K variant (also known as c.167G>A), located in coding exon 2 of the PAX5 gene, results from a G to A substitution at nucleotide position 167. The arginine at codon 56 is replaced by lysine, an amino acid with highly similar properties. This amino acid position is conserved. In addition, this alteration is predicted to be deleterious by in silico analysis. Based on the available evidence, the clinical significance of this variant remains unclear.